The following is an entry in ClinVar:

NM_000046.5(ARSB):c.302G>A (p.Gly101Asp)

Genes: ARSB (arylsulfatase B; minus strand), LOC129994126 (ATAC-STARR-seq lymphoblastoid silent region 16127; plus strand). Cytogenetic location: 5q14.1.
Variant type: single nucleotide variant.
Coding change: c.302G>A on transcript NM_000046.5 (MANE Select); coding-DNA position 302, G replaced by A.
Protein change: p.Gly101Asp; replaces glycine 101 with aspartic acid.
Molecular consequence: missense variant.
Genome position (GRCh38, 1-based): chr5:78,984,947, C>T on the plus strand (G>A on the coding strand, the complement: ARSB is on the minus strand). VCF-style: chr5-78984947-C-T. GRCh37 (hg19) VCF-style: chr5-78280770-C-T.
Other names: c.302G>A, p.Gly101Asp (NM_198709.3); short protein forms G101D.
Identifiers: ClinVar variation 1460960 (VCV001460960.8), dbSNP rs2112580877, ClinGen allele CA360196325.
Genomic context (GRCh38, chr5:78,984,947, plus strand): 5'-CCGGCGAAAGGCGGGGCGGGGGCGGCGCGGGCGGCGGGGGCGCCGCGTACCTGGTAGCGG[C>T]CAGTGAGCAGCTGGCTCCGCGACGGCGTGCACAGCGGCTGCGTGTAGTAGTTGTCCAGGA-3'
Protein context (NP_000037.2, residues 91-111): CTPSRSQLLT[Gly101Asp]RYQIRTGLQH

ClinVar aggregate classification (germline): Uncertain significance (1 of 4 stars; one submission).

Conditions:
Mucopolysaccharidosis type 6 (MPS6). Also called: MPS VI; ARSB DEFICIENCY; ARYLSULFATASE B DEFICIENCY; N-ACETYLGALACTOSAMINE-4-SULFATASE DEFICIENCY; MPS 6; Maroteaux Lamy syndrome. Identifiers: Orphanet 583, MedGen C0026709, MONDO:0009661, OMIM 253200.

Submission:

Labcorp Genetics (formerly Invitae), Labcorp
Classification: Uncertain significance for Mucopolysaccharidosis type 6. Last evaluated: 2021-05-26. Review status: criteria provided, single submitter. Criteria: Invitae Variant Classification Sherloc (09022015). Collection method: clinical testing. Allele origin: germline.
Comment: This variant has not been reported in the literature in individuals with ARSB-related conditions. This sequence change replaces glycine with aspartic acid at codon 101 of the ARSB protein (p.Gly101Asp). The glycine residue is highly conserved and there is a moderate physicochemical difference between glycine and aspartic acid. The frequency data for this variant in the population databases is considered unreliable, as metrics indicate insufficient coverage at this position in the ExAC database. Advanced modeling of protein sequence and biophysical properties (such as structural, functional, and spatial information, amino acid conservation, physicochemical variation, residue mobility, and thermodynamic stability) performed at Invitae indicates that this missense variant is expected to disrupt ARSB protein function. In summary, the available evidence is currently insufficient to determine the role of this variant in disease. Therefore, it has been classified as a Variant of Uncertain Significance.